The following is an entry in ClinVar:

ClinVar aggregate classification (germline): Pathogenic. Review status: reviewed by expert panel (3 of 4 stars). 3 submissions from 3 submitters: Pathogenic (1). 2 of the submissions do not count toward it. Last evaluated 2024-07-29.

Conditions:
Severe combined immunodeficiency disease. Also called: Severe combined immunodeficiency; Severe Combined Immune Deficiency. Identifiers: Orphanet 183660, MedGen C0085110, MeSH D016511, MONDO:0015974, HP:0004430. Inheritance: X-Linked or Autosomal recessive.
T-cell immunodeficiency, congenital alopecia, and nail dystrophy. Also called: Congenital alopecia and nail dystrophy associated with severe functional T-cell immunodeficiency; Pignata Guarino syndrome. Identifiers: Orphanet 169095, MedGen C1866426, MONDO:0011132, OMIM 601705.

gnomAD v4.1: 3 of 1,601,660 alleles (0.00019%); highest among the groups gnomAD compares: Non-Finnish European, 0.00026%; no homozygotes.

Submissions (3):

ClinGen Severe Combined Immunodeficiency Variant Curation Expert Panel, ClinGen
Classification: Pathogenic for T-cell immunodeficiency, congenital alopecia, and nail dystrophy. Last evaluated: 2024-07-29. Review status: reviewed by expert panel. Criteria: ClinGen SCID ACMG Specifications FOXN1 V1.0.0. Collection method: curation. Allele origin: germline. Inheritance: Semidominant inheritance.
Comment: The missense variant NM_001369369.1(FOXN1):c.880G>A (p.Val294Ile) is located within the DNA binding forkhead domain (amino acids 270-367) at amino acid position 294, and thus meets PM1. This variant occurs at the same codon as Val294Leu which has been classified as Likely Pathogenic by the SCID VCEP (PM5_supporting). The variant has a REVEL score of 0.731 which is above the SCID VCEP specified threshold of ≥0.644 to support a deleterious effect of the variant (PP3). A luciferase reporter construct was cotransfected into heterologous cells together with an expression vector containing FOXN1. The Val294Ile variant had 18% luciferase activity compared to WT which is below the <50% threshold for PS3_moderate(PMID: 37419334). The highest MAF in gnomAD v2.1.1 is 0.000008790 (1/113770 alleles) in the European (non-Finnish) population. This is below the SCID VCEP specified threshold of <0.00002412 (PM2_supporting). Patient P2 (PMID: 30903456) is homozygous for this variant (PM3_supporting), and was diagnosed with T-B+NK+ SCID with absent CD3+ cells and absent TRECs, a poor proliferative response to PHA, athymia, alopecia totalis, and nail dystrophy. The patient was sequenced using a NGS panel of 18 common SCID-related genes and Sanger sequencing for FOXN1. Together this is a highly specific phenotype for FOXN1-related T-cell immunodeficiency, congenital alopecia, and nail dystrophy (PP4). Siblings P1 and P2 (PMID: 30903456) are both affected with T-B+NK+ SCID and homozygous for this variant (PP1), the parents are both heterozygous and do not have any immunodeficiency but have decreased T cell counts and reduced TREC levels compared to age-matched controls. In summary this variant meets criteria to be classified as likely pathogenic for semidominant T-cell immunodeficiency, congenital alopecia, and nail dystrophy due to FOXN1 deficiency based on the ACMG/AMP criteria applied: PM1, PM5_supporting, PP3, PS3_moderate, PM2_supporting, PM3_supporting, PP1, and PP4, as specified by the ClinGen SCID VCEP FOXN1 subgroup.

Women's Health and Genetics/Laboratory Corporation of America, LabCorp
Classification: Pathogenic for Severe combined immunodeficiency disease. Last evaluated: 2025-05-29. Review status: criteria provided, single submitter. Criteria: LabCorp Variant Classification Summary - May 2015. Collection method: clinical testing. Allele origin: germline. Not counted in ClinVar's aggregate classification.
Comment: Variant summary: FOXN1 c.880G>A (p.Val294Ile) results in a conservative amino acid change in the encoded protein sequence. Algorithms developed to predict the effect of missense changes on protein structure and function are either unavailable or do not agree on the potential impact of this missense change. The variant allele was found at a frequency of 4e-06 in 251482 control chromosomes. c.880G>A has been observed in multiple homozygous individuals affected with Severe Combined Immunodeficiency (Firtina_2019, Corbali_2023). These data indicate that the variant is very likely to be associated with disease. At least one publication reports experimental evidence evaluating an impact on protein function, however, does not allow convincing conclusions about the variant effect. The following publications have been ascertained in the context of this evaluation (PMID: 37146104, 30903456, 37419334). ClinVar contains an entry for this variant (Variation ID: 3367209). Based on the evidence outlined above, the variant was classified as pathogenic.

Labcorp Genetics (formerly Invitae), Labcorp
Classification: Likely pathogenic for T-cell immunodeficiency, congenital alopecia, and nail dystrophy. Last evaluated: 2025-04-24. Review status: criteria provided, single submitter. Criteria: Invitae Variant Classification Sherloc (09022015). Collection method: clinical testing. Allele origin: germline. Not counted in ClinVar's aggregate classification.
Comment: This sequence change replaces valine, which is neutral and non-polar, with isoleucine, which is neutral and non-polar, at codon 294 of the FOXN1 protein (p.Val294Ile). This variant is present in population databases (no rsID available, gnomAD 0.0009%). This missense change has been observed in individual(s) with autosomal recessive severe combined immunodeficiency (PMID: 30903456). It has also been observed to segregate with disease in related individuals. ClinVar contains an entry for this variant (Variation ID: 3367209). Invitae Evidence Modeling of protein sequence and biophysical properties (such as structural, functional, and spatial information, amino acid conservation, physicochemical variation, residue mobility, and thermodynamic stability) has been performed for this missense variant. However, the output from this modeling did not meet the statistical confidence thresholds required to predict the impact of this variant on FOXN1 protein function. Experimental studies have shown that this missense change affects FOXN1 function (PMID: 37419334). In summary, the currently available evidence indicates that the variant is pathogenic, but additional data are needed to prove that conclusively. Therefore, this variant has been classified as Likely Pathogenic.

Literature cited by the submitters: PubMed 37419334 (cited by Women's Health and Genetics/Laboratory Corporation of America, LabCorp and Labcorp Genetics (formerly Invitae), Labcorp); PubMed 37146104 (cited by Women's Health and Genetics/Laboratory Corporation of America, LabCorp); PubMed 30903456 (cited by Women's Health and Genetics/Laboratory Corporation of America, LabCorp and Labcorp Genetics (formerly Invitae), Labcorp).

NM_001369369.1(FOXN1):c.880G>A (p.Val294Ile)

Gene: FOXN1 (forkhead box N1; plus strand). Cytogenetic location: 17q11.2.
Variant type: single nucleotide variant.
Coding change: c.880G>A on transcript NM_001369369.1 (MANE Select); coding-DNA position 880, G replaced by A.
Protein change: p.Val294Ile; replaces valine 294 with isoleucine.
Molecular consequence: missense variant.
Genome position (GRCh38, 1-based): chr17:28,530,798, G>A. VCF-style: chr17-28530798-G-A. GRCh37 (hg19) VCF-style: chr17-26857816-G-A.
Other names: NM_003593.3:c.880G>A; c.880G>A, p.Val294Ile (NM_003593.3); short protein forms V294I.
Identifiers: ClinVar variation 3367209 (VCV003367209.3).